The following is an entry in ClinVar:

ClinVar aggregate classification (germline): Likely benign (1 of 4 stars; one submission).

Allele frequency attached by ClinVar (database versions not stated): gnomAD 0.00013; TOPMed 0.00013; ExAC 0.00014; ESP Exome Variant Server 0.00015.
gnomAD v4.1: 260 of 1,605,194 alleles (0.016%); highest among the groups gnomAD compares: Non-Finnish European, 0.021%; no homozygotes.

Submission:

CeGaT Center for Human Genetics Tuebingen
Classification: Likely benign. Last evaluated: 2022-11-01. Review status: criteria provided, single submitter. Criteria: CeGaT Center For Human Genetics Tuebingen Variant Classification Criteria Version 2. Collection method: clinical testing. Allele origin: germline. Affected: yes. Observed: 1 variant allele.
Comment: SPTB: BP4

NM_001355436.2(SPTB):c.5553+4C>T

Gene: SPTB (spectrin beta, erythrocytic; minus strand). Cytogenetic location: 14q23.3.
Variant type: single nucleotide variant.
Coding change: c.5553+4C>T on transcript NM_001355436.2 (MANE Select); 4 bases into the intron after coding-DNA position 5553, C replaced by T.
Molecular consequence: intron variant.
Genome position (GRCh38, 1-based): chr14:64,772,576, G>A on the plus strand (C>T on the coding strand, the complement: SPTB is on the minus strand). VCF-style: chr14-64772576-G-A. GRCh37 (hg19) VCF-style: chr14-65239294-G-A.
Other names: c.5553+4C>T (NM_001024858.4, NM_001355437.2).
Identifiers: ClinVar variation 2644318 (VCV002644318.24), dbSNP rs372593234, ClinGen allele CA7229935.